The following is an entry in ClinVar:

ClinVar aggregate classification (germline): Conflicting classifications of pathogenicity. Review status: criteria provided, conflicting classifications (1 of 4 stars). 5 submissions from 5 submitters: Uncertain significance (4); Likely benign (1). Last evaluated 2025-08-21.

Conditions:
Cornelia de Lange syndrome 1 (CDLS1). Also called: TYPUS DEGENERATIVUS AMSTELODAMENSIS; NIPBL-Related Cornelia de Lange Syndrome; Brachmann de Lange syndrome. Identifiers: Orphanet 199, MedGen C4551851, MONDO:0007387, OMIM 122470.
Inborn genetic diseases. Identifiers: MedGen C0950123, MeSH D030342.

Allele frequency attached by ClinVar (database versions not stated): gnomAD 0.00004; ESP Exome Variant Server 0.00008; TOPMed 0.00008; 1000 Genomes Project 30x 0.00016.

Submissions (5):

Ambry Genetics
Classification: Likely benign for Inborn genetic diseases. Last evaluated: 2025-08-21. Review status: criteria provided, single submitter. Criteria: Ambry Variant Classification Scheme 2023. Collection method: clinical testing. Allele origin: germline.

Labcorp Genetics (formerly Invitae), Labcorp
Classification: Uncertain significance for Cornelia de Lange syndrome 1. Last evaluated: 2025-07-27. Review status: criteria provided, single submitter. Criteria: Invitae Variant Classification Sherloc (09022015). Collection method: clinical testing. Allele origin: germline.
Comment: This sequence change replaces serine, which is neutral and polar, with asparagine, which is neutral and polar, at codon 616 of the NIPBL protein (p.Ser616Asn). This variant is present in population databases (rs371073215, gnomAD 0.02%). This variant has not been reported in the literature in individuals affected with NIPBL-related conditions. ClinVar contains an entry for this variant (Variation ID: 1342349). Invitae Evidence Modeling of protein sequence and biophysical properties (such as structural, functional, and spatial information, amino acid conservation, physicochemical variation, residue mobility, and thermodynamic stability) indicates that this missense variant is not expected to disrupt NIPBL protein function with a negative predictive value of 95%. In summary, the available evidence is currently insufficient to determine the role of this variant in disease. Therefore, it has been classified as a Variant of Uncertain Significance.

Women's Health and Genetics/Laboratory Corporation of America, LabCorp
Classification: Uncertain significance. Last evaluated: 2024-10-17. Review status: criteria provided, single submitter. Criteria: LabCorp Variant Classification Summary - May 2015. Collection method: clinical testing. Allele origin: germline.
Comment: Variant summary: NIPBL c.1847G>A (p.Ser616Asn) results in a conservative amino acid change in the encoded protein sequence. Five of five in-silico tools predict a benign effect of the variant on protein function. The variant allele was found at a frequency of 1.2e-05 in 1613900 control chromosomes, predominantly at a frequency of 0.0002 in 75016 control chromosomes in the African or African-American subpolulation (gnomAD v4). These frequencies are not significantly higher than estimated for a pathogenic variant in NIPBL causing Cornelia De Lange Syndrome 1, but could suggest the variant may be benign. To our knowledge, no occurrence of c.1847G>A in individuals affected with Cornelia De Lange Syndrome 1 and no experimental evidence demonstrating its impact on protein function have been reported. ClinVar contains an entry for this variant (Variation ID: 1342349). Based on the evidence outlined above, the variant was classified as VUS-possibly benign.

Department of Pathology and Laboratory Medicine, Sinai Health System
Classification: Uncertain significance for Cornelia de Lange syndrome 1. Last evaluated: 2021-07-30. Review status: criteria provided, single submitter. Criteria: ACMG Guidelines, 2015. Collection method: research. Allele origin: germline.

New York Genome Center
Classification: Uncertain significance for Cornelia de Lange syndrome 1. Last evaluated: 2021-03-24. Review status: criteria provided, single submitter. Criteria: NYGC Assertion Criteria 2020. Collection method: clinical testing. Allele origin: germline. Observed: 1 heterozygote. Study: CSER-NYCKidSeq.

NM_133433.4(NIPBL):c.1847G>A (p.Ser616Asn)

Gene: NIPBL (NIPBL cohesin loading factor; plus strand). Cytogenetic location: 5p13.2.
Variant type: single nucleotide variant.
Coding change: c.1847G>A on transcript NM_133433.4 (MANE Select); coding-DNA position 1847, G replaced by A.
Protein change: p.Ser616Asn; replaces serine 616 with asparagine.
Molecular consequence: missense variant.
Genome position (GRCh38, 1-based): chr5:36,985,027, G>A. VCF-style: chr5-36985027-G-A. GRCh37 (hg19) VCF-style: chr5-36985129-G-A.
Other names: c.1847G>A, p.Ser616Asn (NM_015384.5); c.1847G>A (NM_133433.3); short protein forms S616N.
Identifiers: ClinVar variation 1342349 (VCV001342349.7), dbSNP rs371073215, ClinGen allele CA3236091.